The following is an entry in ClinVar:

NM_002354.3(EPCAM):c.226T>G (p.Ser76Ala)

Gene: EPCAM (epithelial cell adhesion molecule; plus strand). Cytogenetic location: 2p21.
Variant type: single nucleotide variant.
Coding change: c.226T>G on transcript NM_002354.3 (MANE Select); coding-DNA position 226, T replaced by G.
Protein change: p.Ser76Ala; replaces serine 76 with alanine.
Molecular consequence: missense variant.
Genome position (GRCh38, 1-based): chr2:47,373,849, T>G. VCF-style: chr2-47373849-T-G. GRCh37 (hg19) VCF-style: chr2-47600988-T-G.
Other names: short protein forms S76A.
Identifiers: ClinVar variation 4249675 (VCV004249675.1).

ClinVar aggregate classification (germline): Uncertain significance (1 of 4 stars; one submission).

Conditions:
Hereditary cancer-predisposing syndrome. Also called: Hereditary Cancer Syndrome; Hereditary neoplastic syndrome; Neoplastic Syndromes, Hereditary; Tumor predisposition. Identifiers: Orphanet 140162, MedGen C0027672, MeSH D009386, MONDO:0015356.

gnomAD v4.1: 1 of 1,614,070 alleles (0.000062%); no homozygotes.

Submission:

Ambry Genetics
Classification: Uncertain significance for Hereditary cancer-predisposing syndrome. Last evaluated: 2025-06-20. Review status: criteria provided, single submitter. Criteria: Ambry Variant Classification Scheme 2023. Collection method: clinical testing. Allele origin: germline.
Comment: The p.S76A variant (also known as c.226T>G), located in coding exon 3 of the EPCAM gene, results from a T to G substitution at nucleotide position 226. The serine at codon 76 is replaced by alanine, an amino acid with similar properties. This amino acid position is conserved. In addition, this alteration is predicted to be tolerated by in silico analysis. Based on the available evidence, the clinical significance of this variant remains unclear.